The following is an entry in ClinVar:

ClinVar aggregate classification (germline): Likely pathogenic. Review status: criteria provided, multiple submitters, no conflicts (2 of 4 stars). 2 submissions from 2 submitters: Likely pathogenic (2). Last evaluated 2026-04-14.

Conditions:
Pheochromocytoma/paraganglioma syndrome 5. Also called: Paragangliomas 5; SDHA-Related Hereditary Paraganglioma-Pheochromocytoma Syndrome. Identifiers: Orphanet 29072, MedGen C3279992, MONDO:0013602, OMIM 614165.
Hereditary cancer-predisposing syndrome. Also called: Hereditary neoplastic syndrome; Neoplastic Syndromes, Hereditary; Tumor predisposition; Hereditary Cancer Syndrome. Identifiers: Orphanet 140162, MedGen C0027672, MeSH D009386, MONDO:0015356.

Submissions (2):

Ambry Genetics
Classification: Likely pathogenic for Hereditary cancer-predisposing syndrome. Last evaluated: 2026-04-14. Review status: criteria provided, single submitter. Criteria: Ambry Variant Classification Scheme 2023. Collection method: clinical testing. Allele origin: germline.
Comment: The c.63+1G>C intronic variant results from a G to C substitution one nucleotide after coding exon 1 of the SDHA gene. In silico splice site analysis predicts that this alteration will weaken the native splice donor site and will result in the creation or strengthening of a novel splice donor site. The stop codon in the predicted resulting transcript occurs in the 5' end ofthe gene. As such, this variant may escape nonsense-mediated mRNAdecay and/or be prone to rescue by reinitiation (Rivas et al. Science. 2015 May 8;348(6235):666-9; Lindeboom et al. Nat Genet. 2016 Oct;48(10):1112-8; Rhee et al. Sci Rep. 2017 May 10;7(1):1653). The exact functional effect of this variant is unknown; however, the region predicted to be impacted is critical for protein function (Ambry internal data). This nucleotide position is highly conserved in available vertebrate species. Based on the majority of available evidence to date, this variant is likely to be pathogenic.

Myriad Genetics, Inc.
Classification: Likely pathogenic for Pheochromocytoma/paraganglioma syndrome 5. Last evaluated: 2023-10-31. Review status: criteria provided, single submitter. Criteria: Myriad Autosomal Dominant, Autosomal Recessive and X-Linked Classification Criteria (2023). Collection method: clinical testing. Allele origin: unknown.
Comment: This variant is considered likely pathogenic. This variant occurs within a consensus splice junction and is predicted to result in abnormal mRNA splicing of either an out-of-frame exon or an in-frame exon necessary for protein stability and/or normal function.

NM_004168.4(SDHA):c.63+1G>C

Gene: SDHA (succinate dehydrogenase complex flavoprotein subunit A; plus strand). Cytogenetic location: 5p15.33.
Variant type: single nucleotide variant.
Coding change: c.63+1G>C on transcript NM_004168.4 (MANE Select); the canonical splice donor site of the intron after coding-DNA position 63, G replaced by C.
Molecular consequence: splice donor variant.
Genome position (GRCh38, 1-based): chr5:218,419, G>C. VCF-style: chr5-218419-G-C. GRCh37 (hg19) VCF-style: chr5-218534-G-C.
Other names: c.63+1G>C (NM_001330758.2, NM_001294332.2, NM_004168.2).
Identifiers: ClinVar variation 2673943 (VCV002673943.2), dbSNP rs2126522851, ClinGen allele CA359007490.